The following is an entry in ClinVar:

NM_152564.5(VPS13B):c.5527G>T (p.Glu1843Ter)

Gene: VPS13B (vacuolar protein sorting 13 homolog B; plus strand). Cytogenetic location: 8q22.2.
Variant type: single nucleotide variant.
Coding change: c.5527G>T on transcript NM_152564.5 (MANE Select); coding-DNA position 5527, G replaced by T.
Protein change: p.Glu1843Ter; replaces glutamic acid 1843 with a stop codon.
Molecular consequence: nonsense.
Genome position (GRCh38, 1-based): chr8:99,642,117, G>T. VCF-style: chr8-99642117-G-T. GRCh37 (hg19) VCF-style: chr8-100654345-G-T.
Other names: c.5602G>T, p.Glu1868Ter (NM_017890.5); short protein forms E1843*, E1868*.
Identifiers: ClinVar variation 2063699 (VCV002063699.6), dbSNP rs2491207289, ClinGen allele CA371872752.

ClinVar aggregate classification (germline): Pathogenic/Likely pathogenic. Review status: criteria provided, multiple submitters, no conflicts (2 of 4 stars). 2 submissions from 2 submitters: Pathogenic (1); Likely pathogenic (1). Last evaluated 2025-04-23.

Conditions:
Cohen syndrome (COH1). Also called: PEPPER SYNDROME; Cutis verticis gyrata, retinitis pigmentosa, and sensorineural deafness. Identifiers: Orphanet 193, MedGen C0265223, MONDO:0008999, OMIM 216550.

Allele frequency attached by ClinVar (database versions not stated): gnomAD exomes below 0.00001.
gnomAD v4.1: 1 of 1,614,052 alleles (0.000062%); highest among the groups gnomAD compares: South Asian, 0.0011%; no homozygotes.

Submissions (2):

Dasa
Classification: Likely pathogenic. Last evaluated: 2025-04-23. Review status: criteria provided, single submitter. Criteria: DASA Assertion Criteria. Collection method: clinical testing. Allele origin: germline.
Comment: NM_152564.5(VPS13B):c.5527G>T (p.Glu1843*) is a nonsense variant in VPS13B predicted to introduce a premature termination codon and is predicted to result in an absent or altered protein product. Loss of function is an established disease mechanism for VPS13B-associated disorders. Also, this variant is rare in population databases. Based on the currently available evidence, this variant is classified as likely pathogenic.

Labcorp Genetics (formerly Invitae), Labcorp
Classification: Pathogenic for Cohen syndrome. Last evaluated: 2021-12-28. Review status: criteria provided, single submitter. Criteria: Invitae Variant Classification Sherloc (09022015). Collection method: clinical testing. Allele origin: germline.
Comment: For these reasons, this variant has been classified as Pathogenic. This variant has not been reported in the literature in individuals affected with VPS13B-related conditions. This variant is not present in population databases (gnomAD no frequency). This sequence change creates a premature translational stop signal (p.Glu1868*) in the VPS13B gene. It is expected to result in an absent or disrupted protein product. Loss-of-function variants in VPS13B are known to be pathogenic (PMID: 15141358, 16648375, 20461111).

Literature cited by the submitters: PubMed 15141358 (cited by Labcorp Genetics (formerly Invitae), Labcorp); PubMed 16648375 (cited by Labcorp Genetics (formerly Invitae), Labcorp); PubMed 20461111 (cited by Labcorp Genetics (formerly Invitae), Labcorp).